The following is an entry in ClinVar:

NM_144508.5(KNL1):c.3575G>A (p.Gly1192Glu)

Gene: KNL1 (kinetochore scaffold 1; plus strand). Cytogenetic location: 15q15.1.
Variant type: single nucleotide variant.
Coding change: c.3575G>A on transcript NM_144508.5 (MANE Select); coding-DNA position 3575, G replaced by A.
Protein change: p.Gly1192Glu; replaces glycine 1192 with glutamic acid.
Molecular consequence: missense variant.
Genome position (GRCh38, 1-based): chr15:40,623,839, G>A. VCF-style: chr15-40623839-G-A. GRCh37 (hg19) VCF-style: chr15-40916037-G-A.
Other names: c.3653G>A, p.Gly1218Glu (NM_170589.5); short protein forms G1192E, G1218E.
Identifiers: ClinVar variation 1700937 (VCV001700937.2), dbSNP rs548677801, ClinGen allele CA7483041.

ClinVar aggregate classification (germline): Uncertain significance (1 of 4 stars; one submission).

Allele frequency attached by ClinVar (database versions not stated): gnomAD 0.00001; gnomAD exomes 0.00002 and 0.00004; ExAC 0.00008; 1000 Genomes Project 30x 0.00016; 1000 Genomes Project 0.00020.
gnomAD v4.1: 26 of 1,613,142 alleles (0.0016%); highest among the groups gnomAD compares: South Asian, 0.026%; no homozygotes.

Submission:

GeneDx
Classification: Uncertain significance. Last evaluated: 2022-02-10. Review status: criteria provided, single submitter. Criteria: GeneDx Variant Classification Process June 2021. Collection method: clinical testing. Allele origin: germline. Affected: yes.
Comment: In silico analysis supports that this missense variant does not alter protein structure/function; Has not been previously published as pathogenic or benign to our knowledge